The following is an entry in ClinVar:

NM_001379500.1(COL18A1):c.532G>A (p.Val178Met)

Gene: COL18A1 (collagen type XVIII alpha 1 chain; plus strand). Cytogenetic location: 21q22.3.
Variant type: single nucleotide variant.
Coding change: c.532G>A on transcript NM_001379500.1 (MANE Select); coding-DNA position 532, G replaced by A.
Protein change: p.Val178Met; replaces valine 178 with methionine.
Molecular consequence: missense variant.
Genome position (GRCh38, 1-based): chr21:45,468,667, G>A. VCF-style: chr21-45468667-G-A. GRCh37 (hg19) VCF-style: chr21-46888581-G-A.
Other names: NM_130445.2:c.532G>A; c.1072G>A, p.Val358Met (NM_030582.4); c.1777G>A, p.Val593Met (NM_130444.3); short protein forms V358M, V178M, V593M.
Identifiers: ClinVar variation 1352133 (VCV001352133.6), dbSNP rs780717066, ClinGen allele CA10065775.

ClinVar aggregate classification (germline): Uncertain significance. Review status: criteria provided, multiple submitters, no conflicts (2 of 4 stars). 3 submissions from 3 submitters: Uncertain significance (3). Last evaluated 2024-09-05.

Conditions:
Inborn genetic diseases. Identifiers: MedGen C0950123, MeSH D030342.

Allele frequency attached by ClinVar (database versions not stated): TOPMed 0.00009; gnomAD 0.00010; gnomAD exomes 0.00011 and 0.00012; ExAC 0.00013.
gnomAD v4.1: 185 of 1,613,756 alleles (0.011%); highest among the groups gnomAD compares: Non-Finnish European, 0.014%; no homozygotes.

Submissions (3):

Ambry Genetics
Classification: Uncertain significance for Inborn genetic diseases. Last evaluated: 2024-09-05. Review status: criteria provided, single submitter. Criteria: Ambry Variant Classification Scheme 2023. Collection method: clinical testing. Allele origin: germline.

Women's Health and Genetics/Laboratory Corporation of America, LabCorp
Classification: Uncertain significance. Last evaluated: 2024-06-10. Review status: criteria provided, single submitter. Criteria: LabCorp Variant Classification Summary - May 2015. Collection method: clinical testing. Allele origin: germline.
Comment: Variant summary: COL18A1 c.532G>A (p.Val178Met) results in a conservative amino acid change located in the Thrombospondin-like, N-terminal domain (IPR048287) of the encoded protein sequence. Five of five in-silico tools predict a benign effect of the variant on protein function. The variant allele was found at a frequency of 0.00012 in 248814 control chromosomes, predominantly at a frequency of 0.00022 within the Non-Finnish European subpopulation in the gnomAD database. This frequency is not significantly higher than estimated for a pathogenic variant in COL18A1 causing Knobloch Syndrome 1, allowing no conclusion about variant significance. To our knowledge, no occurrence of c.532G>A in individuals affected with Knobloch Syndrome 1 and no experimental evidence demonstrating its impact on protein function have been reported. ClinVar contains an entry for this variant (Variation ID: 1352133). Based on the evidence outlined above, the variant was classified as uncertain significance.

Labcorp Genetics (formerly Invitae), Labcorp
Classification: Uncertain significance. Last evaluated: 2023-12-07. Review status: criteria provided, single submitter. Criteria: Invitae Variant Classification Sherloc (09022015). Collection method: clinical testing. Allele origin: germline.
Comment: This sequence change replaces valine, which is neutral and non-polar, with methionine, which is neutral and non-polar, at codon 178 of the COL18A1 protein (p.Val178Met). This variant is present in population databases (rs780717066, gnomAD 0.02%). This variant has not been reported in the literature in individuals affected with COL18A1-related conditions. ClinVar contains an entry for this variant (Variation ID: 1352133). Experimental studies and prediction algorithms are not available or were not evaluated, and the functional significance of this variant is currently unknown. In summary, the available evidence is currently insufficient to determine the role of this variant in disease. Therefore, it has been classified as a Variant of Uncertain Significance.